The following is an entry in ClinVar:

ClinVar aggregate classification (germline): Uncertain significance (1 of 4 stars; one submission).

Submission:

GeneDx
Classification: Uncertain significance. Last evaluated: 2019-09-18. Review status: criteria provided, single submitter. Criteria: GeneDx Variant Classification Process June 2021. Collection method: clinical testing. Allele origin: germline. Affected: yes.
Comment: Has not been previously published as pathogenic or benign to our knowledge; Not observed in large population cohorts (Lek et al., 2016); In-frame insertion of 4 amino acids in a non-repeat region

NM_001365276.2(TNXB):c.8240_8241insAGAGTCAGGATC (p.Ser2747_Ser2748insGluSerGlySer)

Gene: TNXB (tenascin XB; minus strand). Cytogenetic location: 6p21.33.
Variant type: Insertion.
Coding change: c.8240_8241insAGAGTCAGGATC on transcript NM_001365276.2 (MANE Select); coding-DNA positions 8240 to 8241, AGAGTCAGGATC inserted.
Protein change: p.Ser2747_Ser2748insGluSerGlySer.
Molecular consequence: inframe insertion.
Genome position: GRCh38 VCF-style: chr6-32056077-G-GGATCCTGACTCT. GRCh37 (hg19) VCF-style: chr6-32023854-G-GGATCCTGACTCT.
Other names: c.8240_8241insAGAGTCAGGATC, p.Ser2747_Ser2748insGluSerGlySer (NM_019105.8).
Identifiers: ClinVar variation 1312476 (VCV001312476.2), dbSNP rs2151900713, ClinGen allele CA2573052667.